The following is an entry in ClinVar:

ClinVar aggregate classification (germline): Uncertain significance (1 of 4 stars; one submission).

Submission:

Labcorp Genetics (formerly Invitae), Labcorp
Classification: Uncertain significance. Last evaluated: 2022-11-11. Review status: criteria provided, single submitter. Criteria: Invitae Variant Classification Sherloc (09022015). Collection method: clinical testing. Allele origin: germline.
Comment: This sequence change replaces alanine, which is neutral and non-polar, with threonine, which is neutral and polar, at codon 298 of the GRIN2D protein (p.Ala298Thr). This variant is not present in population databases (gnomAD no frequency). This variant has not been reported in the literature in individuals affected with GRIN2D-related conditions. Advanced modeling of protein sequence and biophysical properties (such as structural, functional, and spatial information, amino acid conservation, physicochemical variation, residue mobility, and thermodynamic stability) performed at Invitae indicates that this missense variant is not expected to disrupt GRIN2D protein function. In summary, the available evidence is currently insufficient to determine the role of this variant in disease. Therefore, it has been classified as a Variant of Uncertain Significance.

NM_000836.4(GRIN2D):c.892G>A (p.Ala298Thr)

Gene: GRIN2D (glutamate ionotropic receptor NMDA type subunit 2D; plus strand). Cytogenetic location: 19q13.33.
Variant type: single nucleotide variant.
Coding change: c.892G>A on transcript NM_000836.4 (MANE Select); coding-DNA position 892, G replaced by A.
Protein change: p.Ala298Thr; replaces alanine 298 with threonine.
Molecular consequence: missense variant.
Genome position (GRCh38, 1-based): chr19:48,405,160, G>A. VCF-style: chr19-48405160-G-A. GRCh37 (hg19) VCF-style: chr19-48908417-G-A.
Other names: short protein forms A298T.
Identifiers: ClinVar variation 2813606 (VCV002813606.3), dbSNP rs1600972235, ClinGen allele CA406692732.
Genomic context (GRCh38, chr19:48,405,160, plus strand): 5'-CAGCTGGCTGGAGGCGGGGGCTCTGGGGCCCCTGGTGAGCCCCCTCTTCTGCCAGGAGGC[G>A]CCCCCCTGCCTGCCGGGCTGTTTGCAGTGCGCTCGGCTGGCTGGCGGGATGACCTGGCTC-3'
Protein context (NP_000827.2, residues 288-308): PGEPPLLPGG[Ala298Thr]PLPAGLFAVR